The following is an entry in ClinVar:

NM_015135.3(NUP205):c.488+5T>C

Gene: NUP205 (nucleoporin 205; plus strand). Cytogenetic location: 7q33.
Variant type: single nucleotide variant.
Coding change: c.488+5T>C on transcript NM_015135.3 (MANE Select); 5 bases into the intron after coding-DNA position 488, T replaced by C.
Molecular consequence: intron variant.
Genome position (GRCh38, 1-based): chr7:135,576,419, T>C. VCF-style: chr7-135576419-T-C. GRCh37 (hg19) VCF-style: chr7-135261167-T-C.
Other names: c.-598+5T>C (NM_001329434.2).
Identifiers: ClinVar variation 1372118 (VCV001372118.16), dbSNP rs138776220, ClinGen allele CA4497850.

ClinVar aggregate classification (germline): Conflicting classifications of pathogenicity. Review status: criteria provided, conflicting classifications (1 of 4 stars). 5 submissions from 5 submitters: Uncertain significance (3); Likely benign (2). Last evaluated 2025-12-03.

Allele frequency attached by ClinVar (database versions not stated): 1000 Genomes Project 30x 0.00031; 1000 Genomes Project 0.00040; gnomAD exomes 0.00091 and 0.00125; ExAC 0.00095; gnomAD 0.00095 and 0.00142; ESP Exome Variant Server 0.00138; TOPMed 0.00170.
gnomAD v4.1: 2,009 of 1,603,390 alleles (0.13%); highest among the groups gnomAD compares: Non-Finnish European, 0.15%; 3 homozygotes.

Submissions (5):

Labcorp Genetics (formerly Invitae), Labcorp
Classification: Uncertain significance. Last evaluated: 2025-12-03. Review status: criteria provided, single submitter. Criteria: Invitae Variant Classification Sherloc (09022015). Collection method: clinical testing. Allele origin: germline.
Comment: This sequence change falls in intron 4 of the NUP205 gene. It does not directly change the encoded amino acid sequence of the NUP205 protein. It affects a nucleotide within the consensus splice site. This variant is present in population databases (rs138776220, gnomAD 0.2%), and has an allele count higher than expected for a pathogenic variant. This variant has not been reported in the literature in individuals affected with NUP205-related conditions. ClinVar contains an entry for this variant (Variation ID: 1372118). Variants that disrupt the consensus splice site are a relatively common cause of aberrant splicing (PMID: 17576681, 9536098). Algorithms developed to predict the effect of sequence changes on RNA splicing suggest that this variant is not likely to affect RNA splicing. In summary, the available evidence is currently insufficient to determine the role of this variant in disease. Therefore, it has been classified as a Variant of Uncertain Significance.

Mayo Clinic Laboratories, Mayo Clinic
Classification: Likely benign. Last evaluated: 2025-07-11. Review status: criteria provided, single submitter. Criteria: ACMG Guidelines, 2015. Collection method: clinical testing. Allele origin: germline. Observed: 1 variant allele.
Comment: BP4, BP7

CeGaT Center for Human Genetics Tuebingen
Classification: Likely benign. Last evaluated: 2025-04-01. Review status: criteria provided, single submitter. Criteria: CeGaT Center For Human Genetics Tuebingen Variant Classification Criteria Version 2. Collection method: clinical testing. Allele origin: germline. Affected: yes. Observed: 1 variant allele.
Comment: NUP205: BP4, BS2

Blueprint Genetics
Classification: Uncertain significance. Last evaluated: 2024-11-26. Review status: criteria provided, single submitter. Criteria: ACMG Guidelines, 2015. Collection method: clinical testing. Allele origin: germline.

Breakthrough Genomics
Classification: Uncertain significance. Review status: criteria provided, single submitter. Criteria: ACMG Guidelines, 2015. Collection method: not provided. Allele origin: germline. Inheritance: Autosomal recessive inheritance. Affected: yes.

Literature cited by the submitters: PubMed 17576681 (cited by Labcorp Genetics (formerly Invitae), Labcorp); PubMed 9536098 (cited by Labcorp Genetics (formerly Invitae), Labcorp); PubMed 38707654 (cited by Mayo Clinic Laboratories, Mayo Clinic).